The following is an entry in ClinVar:

NM_006662.3(SRCAP):c.9337_9339del (p.Leu3113del)

Gene: SRCAP (Snf2 related CREBBP activator protein; plus strand). Cytogenetic location: 16p11.2.
Variant type: Deletion.
Coding change: c.9337_9339del on transcript NM_006662.3 (MANE Select); coding-DNA positions 9337 to 9339, 3 bases deleted (CTA; older notation c.9337_9339delCTA).
Protein change: p.Leu3113del; deletes leucine 3113.
Molecular consequence: inframe deletion.
Genome position (GRCh38, 1-based): chr16:30,739,377-30,739,379, CTA deleted; deleting any 3 consecutive bases within chr16:30,739,376-30,739,379 gives the same sequence; the c. name uses the placement nearest the transcript's 3' end. VCF-style (leftmost placement, unchanged base first): chr16-30739375-CACT-C. GRCh37 (hg19) VCF-style: chr16-30750696-CACT-C.
Other names: short protein forms L3113del.
Identifiers: ClinVar variation 2003483 (VCV002003483.4), dbSNP rs2543431512, ClinGen allele CA2580091489.

ClinVar aggregate classification (germline): Uncertain significance (1 of 4 stars; one submission).

Submission:

Labcorp Genetics (formerly Invitae), Labcorp
Classification: Uncertain significance. Last evaluated: 2022-06-14. Review status: criteria provided, single submitter. Criteria: Invitae Variant Classification Sherloc (09022015). Collection method: clinical testing. Allele origin: germline.
Comment: This variant, c.9337_9339del, results in the deletion of 1 amino acid(s) of the SRCAP protein (p.Leu3113del), but otherwise preserves the integrity of the reading frame. This variant is not present in population databases (gnomAD no frequency). In summary, the available evidence is currently insufficient to determine the role of this variant in disease. Therefore, it has been classified as a Variant of Uncertain Significance. Experimental studies and prediction algorithms are not available or were not evaluated, and the functional significance of this variant is currently unknown. This variant has not been reported in the literature in individuals affected with SRCAP-related conditions.